The following is an entry in ClinVar:

ClinVar aggregate classification (germline): Likely benign (1 of 4 stars; one submission).

Allele frequency attached by ClinVar (database versions not stated): ExAC 0.00012; gnomAD 0.00003.
gnomAD v4.1: 86 of 1,613,864 alleles (0.0053%); highest among the groups gnomAD compares: Non-Finnish European, 0.0051%; no homozygotes.

Submission:

CeGaT Center for Human Genetics Tuebingen
Classification: Likely benign. Last evaluated: 2022-11-01. Review status: criteria provided, single submitter. Criteria: CeGaT Center For Human Genetics Tuebingen Variant Classification Criteria Version 2. Collection method: clinical testing. Allele origin: germline. Affected: yes. Observed: 1 variant allele.
Comment: NLRP8: BP4, BP7

NM_001317000.1(NLRP8):c.3054G>A (p.Thr1018=)

Genes: NLRP5 (NLR family pyrin domain containing 5; plus strand), NLRP8 (NLR family pyrin domain containing 8; plus strand). Cytogenetic location: 19q13.43.
Variant type: single nucleotide variant.
Coding change: c.3054G>A on transcript NM_001317000.1; coding-DNA position 3054, G replaced by A.
Protein change: p.Thr1018=; no amino-acid change (threonine 1018 retained).
Molecular consequence: synonymous variant. On other transcripts: intron variant (1).
Genome position (GRCh38, 1-based): chr19:55,987,877, G>A. VCF-style: chr19-55987877-G-A. GRCh37 (hg19) VCF-style: chr19-56499243-G-A.
Other names: c.-72+1056G>A (NM_001433705.1).
Identifiers: ClinVar variation 2650548 (VCV002650548.24), dbSNP rs745986469, ClinGen allele CA9685013.